The following is an entry in ClinVar:

ClinVar aggregate classification (germline): Conflicting classifications of pathogenicity. Review status: criteria provided, conflicting classifications (1 of 4 stars). 2 submissions from 2 submitters: Uncertain significance (1); Likely benign (1). Last evaluated 2025-10-17.

Conditions:
Inborn genetic diseases. Identifiers: MedGen C0950123, MeSH D030342.

Allele frequency attached by ClinVar (database versions not stated): TOPMed below 0.00001; ExAC 0.00002; gnomAD exomes 0.00002.
gnomAD v4.1: 26 of 1,613,646 alleles (0.0016%); highest among the groups gnomAD compares: Non-Finnish European, 0.002%; no homozygotes.

Submissions (2):

Labcorp Genetics (formerly Invitae), Labcorp
Classification: Uncertain significance. Last evaluated: 2025-10-17. Review status: criteria provided, single submitter. Criteria: Invitae Variant Classification Sherloc (09022015). Collection method: clinical testing. Allele origin: germline.
Comment: This sequence change replaces arginine, which is basic and polar, with histidine, which is basic and polar, at codon 1340 of the POLR1A protein (p.Arg1340His). This variant is present in population databases (rs765871501, gnomAD 0.004%). This variant has not been reported in the literature in individuals affected with POLR1A-related conditions. ClinVar contains an entry for this variant (Variation ID: 2187891). Invitae Evidence Modeling of protein sequence and biophysical properties (such as structural, functional, and spatial information, amino acid conservation, physicochemical variation, residue mobility, and thermodynamic stability) indicates that this missense variant is not expected to disrupt POLR1A protein function with a negative predictive value of 80%. In summary, the available evidence is currently insufficient to determine the role of this variant in disease. Therefore, it has been classified as a Variant of Uncertain Significance.

Ambry Genetics
Classification: Likely benign for Inborn genetic diseases. Last evaluated: 2025-08-28. Review status: criteria provided, single submitter. Criteria: Ambry Variant Classification Scheme 2023. Collection method: clinical testing. Allele origin: germline.

NM_015425.6(POLR1A):c.4019G>A (p.Arg1340His)

Gene: POLR1A (RNA polymerase I subunit A; minus strand). Cytogenetic location: 2p11.2.
Variant type: single nucleotide variant.
Coding change: c.4019G>A on transcript NM_015425.6 (MANE Select); coding-DNA position 4019, G replaced by A.
Protein change: p.Arg1340His; replaces arginine 1340 with histidine.
Molecular consequence: missense variant.
Genome position (GRCh38, 1-based): chr2:86,038,715, C>T on the plus strand (G>A on the coding strand, the complement: POLR1A is on the minus strand). VCF-style: chr2-86038715-C-T. GRCh37 (hg19) VCF-style: chr2-86265838-C-T.
Other names: c.4019G>A (NM_015425.3); short protein forms R1340H.
Identifiers: ClinVar variation 2187891 (VCV002187891.5), dbSNP rs765871501, ClinGen allele CA1745619.